The following is an entry in ClinVar:

NM_018112.3(TMEM38B):c.79C>G (p.Leu27Val)

Gene: TMEM38B (transmembrane protein 38B; plus strand). Cytogenetic location: 9q31.2.
Variant type: single nucleotide variant.
Coding change: c.79C>G on transcript NM_018112.3 (MANE Select); coding-DNA position 79, C replaced by G.
Protein change: p.Leu27Val; replaces leucine 27 with valine.
Molecular consequence: missense variant.
Genome position (GRCh38, 1-based): chr9:105,694,739, C>G. VCF-style: chr9-105694739-C-G. GRCh37 (hg19) VCF-style: chr9-108457020-C-G.
Other names: short protein forms L27V.
Identifiers: ClinVar variation 4685880 (VCV004685880.1).

ClinVar aggregate classification (germline): Uncertain significance (1 of 4 stars; one submission).

Conditions:
Osteogenesis imperfecta type 14. Also called: OI, TYPE XIV; Osteogenesis imperfecta, type xiv. Identifiers: Orphanet 666, MedGen C3554428, MONDO:0014029, OMIM 615066.

gnomAD v4.1: 26 of 1,611,422 alleles (0.0016%); highest among the groups gnomAD compares: Non-Finnish European, 0.002%; no homozygotes.

Submission:

ARUP Laboratories, Molecular Genetics and Genomics, ARUP Laboratories
Classification: Uncertain significance for Osteogenesis imperfecta type 14. Last evaluated: 2024-12-27. Review status: criteria provided, single submitter. Criteria: ARUP Molecular Germline Variant Investigation Process 2024. Collection method: clinical testing. Allele origin: germline.
Comment: The TMEM38B c.79C>G; p.Leu27Val variant (rs11542697), to our knowledge, is not reported in the medical literature or gene specific databases. This variant is only observed on one allele in the Genome Aggregation Database (v2.1.1), indicating it is not a common polymorphism. Computational analyses predict that this variant is neutral (REVEL: 0.033). Due to limited information, the clinical significance of this variant is uncertain at this time.